The following is an entry in ClinVar:

NM_001374736.1(DST):c.133G>A (p.Gly45Arg)

Gene: DST (dystonin; minus strand). Cytogenetic location: 6p12.1.
Variant type: single nucleotide variant.
Coding change: c.133G>A on transcript NM_001374736.1 (MANE Select); coding-DNA position 133, G replaced by A.
Protein change: p.Gly45Arg; replaces glycine 45 with arginine.
Molecular consequence: missense variant.
Genome position (GRCh38, 1-based): chr6:56,954,455, C>T on the plus strand (G>A on the coding strand, the complement: DST is on the minus strand). VCF-style: chr6-56954455-C-T. GRCh37 (hg19) VCF-style: chr6-56819253-C-T.
Other names: p.Gly45Arg; c.133G>A, p.Gly45Arg (NM_001144769.5, NM_001374722.1, NM_001374734.1); c.133G>A (NM_001144769.3); short protein forms G45R.
Identifiers: ClinVar variation 872085 (VCV000872085.43), dbSNP rs139905357, ClinGen allele CA3872065.

ClinVar aggregate classification (germline): Uncertain significance. Review status: criteria provided, multiple submitters, no conflicts (2 of 4 stars). 3 submissions from 3 submitters: Uncertain significance (3). Last evaluated 2024-11-19.

Conditions:
Inborn genetic diseases. Identifiers: MedGen C0950123, MeSH D030342.

Allele frequency attached by ClinVar (database versions not stated): gnomAD 0.00012 and 0.00013; gnomAD exomes 0.00014 and 0.00018; 1000 Genomes Project 30x 0.00016; TOPMed 0.00018; 1000 Genomes Project 0.00020; ExAC 0.00020; ESP Exome Variant Server 0.00039.
gnomAD v4.1: 201 of 1,367,574 alleles (0.015%); highest among the groups gnomAD compares: Middle Eastern, 0.23%; 1 homozygote.

Submissions (3):

Mayo Clinic Laboratories, Mayo Clinic
Classification: Uncertain significance. Last evaluated: 2024-11-19. Review status: criteria provided, single submitter. Criteria: ACMG Guidelines, 2015. Collection method: clinical testing. Allele origin: germline. Observed: 1 variant allele.

Ambry Genetics
Classification: Uncertain significance for Inborn genetic diseases. Last evaluated: 2022-03-21. Review status: criteria provided, single submitter. Criteria: Ambry Variant Classification Scheme 2023. Collection method: clinical testing. Allele origin: germline.
Comment: The p.G45R variant (also known as c.133G>A), located in coding exon 1 of the DST gene, results from a G to A substitution at nucleotide position 133. The glycine at codon 45 is replaced by arginine, an amino acid with dissimilar properties. This amino acid position is well conserved in available vertebrate species. In addition, this alteration is predicted to be deleterious by in silico analysis. Since supporting evidence is limited at this time, the clinical significance of this alteration remains unclear.

CeGaT Center for Human Genetics Tuebingen
Classification: Uncertain significance. Last evaluated: 2019-07-01. Review status: criteria provided, single submitter. Criteria: CeGaT Center For Human Genetics Tuebingen Variant Classification Criteria Version 2. Collection method: clinical testing. Allele origin: germline. Affected: yes. Observed: 1 variant allele.